The following is an entry in ClinVar:

ClinVar aggregate classification (germline): Uncertain significance (1 of 4 stars; one submission).

Allele frequency attached by ClinVar (database versions not stated): TOPMed below 0.00001; gnomAD exomes 0.00001; ExAC 0.00002.
gnomAD v4.1: 8 of 1,611,530 alleles (0.0005%); highest among the groups gnomAD compares: East Asian, 0.0022%; no homozygotes.

Submission:

GeneDx
Classification: Uncertain significance. Last evaluated: 2021-06-21. Review status: criteria provided, single submitter. Criteria: GeneDx Variant Classification Process June 2021. Collection method: clinical testing. Allele origin: germline. Affected: yes.
Comment: In silico analysis supports that this missense variant does not alter protein structure/function; This variant is associated with the following publications: (PMID: 33980730, 27535533)

NM_022489.4(INF2):c.3523G>A (p.Asp1175Asn)

Gene: INF2 (inverted formin 2; plus strand). Cytogenetic location: 14q32.33.
Variant type: single nucleotide variant.
Coding change: c.3523G>A on transcript NM_022489.4 (MANE Select); coding-DNA position 3523, G replaced by A.
Protein change: p.Asp1175Asn; replaces aspartic acid 1175 with asparagine.
Molecular consequence: missense variant.
Genome position (GRCh38, 1-based): chr14:104,714,685, G>A. VCF-style: chr14-104714685-G-A. GRCh37 (hg19) VCF-style: chr14-105181022-G-A.
Other names: c.3523G>A, p.Asp1175Asn (NM_001031714.4); short protein forms D1175N.
Identifiers: ClinVar variation 1329789 (VCV001329789.2), dbSNP rs765901404, ClinGen allele CA7373291.
Genomic context (GRCh38, chr14:104,714,685, plus strand): 5'-GCTGTCCACAGCCGTGGTGCCAGACCCCCTGCAGCAGGCCCAGGTGGGGATGAGGACGAG[G>A]ACGAGGAGGACACGGCCCCAGAGTCCGCACTGGACACATCCCTGGACAAGTCCTTCTCCG-3'
Protein context (NP_071934.3, residues 1165-1185): AAGPGGDEDE[Asp1175Asn]EEDTAPESAL